The following is an entry in ClinVar:

ClinVar aggregate classification (germline): Uncertain significance (1 of 4 stars; one submission).

Conditions:
Idiopathic generalized epilepsy. Also called: EIG; Generalised epilepsy. Identifiers: MedGen C0270850, MONDO:0005579, OMIM 600669.
Hyperaldosteronism, familial, type IV (HALD4). Also called: FH IV; ALDOSTERONISM, PRIMARY, AND HYPERTENSION. Identifiers: Orphanet 642671, MedGen C4310756, MONDO:0014875, OMIM 617027.

Submission:

Labcorp Genetics (formerly Invitae), Labcorp
Classification: Uncertain significance for Idiopathic generalized epilepsy; Hyperaldosteronism, familial, type IV. Last evaluated: 2022-11-01. Review status: criteria provided, single submitter. Criteria: Invitae Variant Classification Sherloc (09022015). Collection method: clinical testing. Allele origin: germline.
Comment: In summary, the available evidence is currently insufficient to determine the role of this variant in disease. Therefore, it has been classified as a Variant of Uncertain Significance. Advanced modeling of protein sequence and biophysical properties (such as structural, functional, and spatial information, amino acid conservation, physicochemical variation, residue mobility, and thermodynamic stability) performed at Invitae indicates that this missense variant is expected to disrupt CACNA1H protein function. This variant has not been reported in the literature in individuals affected with CACNA1H-related conditions. This variant is not present in population databases (gnomAD no frequency). This sequence change replaces valine, which is neutral and non-polar, with leucine, which is neutral and non-polar, at codon 1854 of the CACNA1H protein (p.Val1854Leu).

NM_021098.3(CACNA1H):c.5560G>T (p.Val1854Leu)

Gene: CACNA1H (calcium voltage-gated channel subunit alpha1 H; plus strand). Cytogenetic location: 16p13.3.
Variant type: single nucleotide variant.
Coding change: c.5560G>T on transcript NM_021098.3 (MANE Select); coding-DNA position 5560, G replaced by T.
Protein change: p.Val1854Leu; replaces valine 1854 with leucine.
Molecular consequence: missense variant.
Genome position (GRCh38, 1-based): chr16:1,218,324, G>T. VCF-style: chr16-1218324-G-T. GRCh37 (hg19) VCF-style: chr16-1268324-G-T.
Other names: c.5542G>T, p.Val1848Leu (NM_001005407.2); short protein forms V1854L, V1848L.
Identifiers: ClinVar variation 2941193 (VCV002941193.3), dbSNP rs1009428395, ClinGen allele CA394147433.